The following is an entry in ClinVar:

ClinVar aggregate classification (germline): Uncertain significance (1 of 4 stars; one submission).

Submission:

Women's Health and Genetics/Laboratory Corporation of America, LabCorp
Classification: Uncertain significance. Last evaluated: 2023-07-24. Review status: criteria provided, single submitter. Criteria: LabCorp Variant Classification Summary - May 2015. Collection method: clinical testing. Allele origin: germline.
Comment: Variant summary: ASL c.687C>G (p.Ser229Arg) results in a non-conservative amino acid change located in the Fumarate lyase, N-terminal domain (IPR022761) of the encoded protein sequence. Five of five in-silico tools predict a damaging effect of the variant on protein function. The variant was absent in 251334 control chromosomes (gnomAD). c.687C>G has been reported in the literature in an individual affected with Argininosuccinic Aciduria (example: Balmer_2014). These data indicate that the variant may be associated with disease. To our knowledge, no experimental evidence demonstrating an impact on protein function has been reported. The following publications have been ascertained in the context of this evaluation (PMID: 32447331, 24166829). No submitters have cited clinical-significance assessments for this variant to ClinVar after 2014. Based on the evidence outlined above, the variant was classified as VUS-possibly pathogenic.

Literature cited by the submitters: PubMed 24166829; PubMed 32447331.

NM_000048.4(ASL):c.687C>G (p.Ser229Arg)

Gene: ASL (argininosuccinate lyase; plus strand). Cytogenetic location: 7q11.21.
Variant type: single nucleotide variant.
Coding change: c.687C>G on transcript NM_000048.4 (MANE Select); coding-DNA position 687, C replaced by G.
Protein change: p.Ser229Arg; replaces serine 229 with arginine.
Molecular consequence: missense variant.
Genome position (GRCh38, 1-based): chr7:66,087,760, C>G. VCF-style: chr7-66087760-C-G. GRCh37 (hg19) VCF-style: chr7-65552747-C-G.
Other names: c.687C>G, p.Ser229Arg (NM_001024943.2, NM_001024944.2); c.609C>G, p.Ser203Arg (NM_001024946.2); short protein forms S203R, S229R.
Identifiers: ClinVar variation 2577253 (VCV002577253.1), dbSNP rs1365912036, ClinGen allele CA367644591.